The following is an entry in ClinVar:

ClinVar aggregate classification (germline): Uncertain significance (1 of 4 stars; one submission).

gnomAD v4.1: 5 of 1,551,350 alleles (0.00032%); highest among the groups gnomAD compares: Non-Finnish European, 0.00044%; no homozygotes.

Submission:

Labcorp Genetics (formerly Invitae), Labcorp
Classification: Uncertain significance. Last evaluated: 2019-03-26. Review status: criteria provided, single submitter. Criteria: Invitae Variant Classification Sherloc (09022015). Collection method: clinical testing. Allele origin: germline.
Comment: In summary, the available evidence is currently insufficient to determine the role of this variant in disease. Therefore, it has been classified as a Variant of Uncertain Significance. Algorithms developed to predict the effect of missense changes on protein structure and function output the following: SIFT: "Tolerated"; PolyPhen-2: "Benign"; Align-GVGD: "Class C0". The glutamic acid amino acid residue is found in multiple mammalian species, suggesting that this missense change does not adversely affect protein function. These predictions have not been confirmed by published functional studies and their clinical significance is uncertain. This variant has not been reported in the literature in individuals with KPNA7-related conditions. This variant is not present in population databases (ExAC no frequency). This sequence change replaces aspartic acid with glutamic acid at codon 5 of the KPNA7 protein (p.Asp5Glu). The aspartic acid residue is weakly conserved and there is a small physicochemical difference between aspartic acid and glutamic acid.

NM_001145715.3(KPNA7):c.15T>A (p.Asp5Glu)

Gene: KPNA7 (karyopherin subunit alpha 7; minus strand). Cytogenetic location: 7q22.1.
Variant type: single nucleotide variant.
Coding change: c.15T>A on transcript NM_001145715.3 (MANE Select); coding-DNA position 15, T replaced by A.
Protein change: p.Asp5Glu; replaces aspartic acid 5 with glutamic acid.
Molecular consequence: missense variant.
Genome position (GRCh38, 1-based): chr7:99,207,452, A>T on the plus strand (T>A on the coding strand, the complement: KPNA7 is on the minus strand). VCF-style: chr7-99207452-A-T. GRCh37 (hg19) VCF-style: chr7-98805075-A-T.
Other names: short protein forms D5E.
Identifiers: ClinVar variation 845832 (VCV000845832.10), dbSNP rs981928115, ClinGen allele CA368421510.